The following is an entry in ClinVar:

NM_001287491.2(TET3):c.2003C>T (p.Ala668Val)

Gene: TET3 (tet methylcytosine dioxygenase 3; plus strand). Cytogenetic location: 2p13.1.
Variant type: single nucleotide variant.
Coding change: c.2003C>T on transcript NM_001287491.2 (MANE Select); coding-DNA position 2003, C replaced by T.
Protein change: p.Ala668Val; replaces alanine 668 with valine.
Molecular consequence: missense variant.
Genome position (GRCh38, 1-based): chr2:74,047,920, C>T. VCF-style: chr2-74047920-C-T. GRCh37 (hg19) VCF-style: chr2-74275047-C-T.
Other names: c.1724C>T, p.Ala575Val (NM_001366022.1); c.1598C>T, p.Ala533Val (NM_144993.1); short protein forms A533V, A575V, A668V.
Identifiers: ClinVar variation 2126126 (VCV002126126.4), dbSNP rs1167146822, ClinGen allele CA347329582.

ClinVar aggregate classification (germline): Uncertain significance (1 of 4 stars; one submission).

Allele frequency attached by ClinVar (database versions not stated): gnomAD exomes below 0.00001; TOPMed 0.00001; gnomAD 0.00001.
gnomAD v4.1: 3 of 1,613,596 alleles (0.00019%); highest among the groups gnomAD compares: Admixed American, 0.0017%; no homozygotes.

Submission:

Labcorp Genetics (formerly Invitae), Labcorp
Classification: Uncertain significance. Last evaluated: 2025-04-14. Review status: criteria provided, single submitter. Criteria: Invitae Variant Classification Sherloc (09022015). Collection method: clinical testing. Allele origin: germline.
Comment: This sequence change replaces alanine, which is neutral and non-polar, with valine, which is neutral and non-polar, at codon 668 of the TET3 protein (p.Ala668Val). This variant is not present in population databases (gnomAD no frequency). This variant has not been reported in the literature in individuals affected with TET3-related conditions. ClinVar contains an entry for this variant (Variation ID: 2126126). Experimental studies and prediction algorithms are not available or were not evaluated, and the functional significance of this variant is currently unknown. In summary, the available evidence is currently insufficient to determine the role of this variant in disease. Therefore, it has been classified as a Variant of Uncertain Significance.